The following is an entry in ClinVar:

ClinVar aggregate classification (germline): Uncertain significance. Review status: criteria provided, multiple submitters, no conflicts (2 of 4 stars). 3 submissions from 3 submitters: Uncertain significance (3). Last evaluated 2026-03-09.

Conditions:
Familial cancer of breast. Also called: BREAST CANCER, FAMILIAL; Hereditary breast cancer; hereditary breast carcinoma. Identifiers: Orphanet 227535, MedGen C0346153, MONDO:0016419, OMIM 114480. Disease mechanism: loss of function.
Hereditary cancer-predisposing syndrome. Also called: Tumor predisposition; Hereditary neoplastic syndrome; Hereditary Cancer Syndrome; Neoplastic Syndromes, Hereditary. Identifiers: Orphanet 140162, MedGen C0027672, MeSH D009386, MONDO:0015356.

gnomAD v4.1: 1 of 1,613,164 alleles (0.000062%); highest among the groups gnomAD compares: Non-Finnish European, 0.000085%; no homozygotes.

Submissions (3):

Ambry Genetics
Classification: Uncertain significance for Hereditary cancer-predisposing syndrome. Last evaluated: 2026-03-09. Review status: criteria provided, single submitter. Criteria: Ambry Variant Classification Scheme 2023. Collection method: clinical testing. Allele origin: germline.
Comment: The p.I419S variant (also known as c.1256T>G), located in coding exon 10 of the CHEK2 gene, results from a T to G substitution at nucleotide position 1256. The isoleucine at codon 419 is replaced by serine, an amino acid with dissimilar properties. This amino acid position is not well conserved in available vertebrate species. In addition, the in silico prediction for this alteration is inconclusive. Based on the available evidence, the clinical significance of this variant remains unclear.

Center for Genomic Medicine, Rigshospitalet, Copenhagen University Hospital
Classification: Uncertain significance. Last evaluated: 2025-03-04. Review status: criteria provided, single submitter. Criteria: ACMG Guidelines, 2015. Collection method: clinical testing. Allele origin: germline.

Labcorp Genetics (formerly Invitae), Labcorp
Classification: Uncertain significance for Familial cancer of breast. Last evaluated: 2020-07-21. Review status: criteria provided, single submitter. Criteria: Invitae Variant Classification Sherloc (09022015). Collection method: clinical testing. Allele origin: germline.
Comment: This variant is not present in population databases (ExAC no frequency). In summary, the available evidence is currently insufficient to determine the role of this variant in disease. Therefore, it has been classified as a Variant of Uncertain Significance. Algorithms developed to predict the effect of sequence changes on RNA splicing suggest that this variant may create or strengthen a splice site, but this prediction has not been confirmed by published transcriptional studies. Algorithms developed to predict the effect of missense changes on protein structure and function are either unavailable or do not agree on the potential impact of this missense change (SIFT: "Deleterious"; PolyPhen-2: "Probably Damaging"; Align-GVGD: "Class C0"). This variant has not been reported in the literature in individuals with CHEK2-related conditions. This sequence change replaces isoleucine with serine at codon 419 of the CHEK2 protein (p.Ile419Ser). The isoleucine residue is moderately conserved and there is a large physicochemical difference between isoleucine and serine.

NM_007194.4(CHEK2):c.1256T>G (p.Ile419Ser)

Gene: CHEK2 (checkpoint kinase 2; minus strand). Cytogenetic location: 22q12.1.
Variant type: single nucleotide variant.
Coding change: c.1256T>G on transcript NM_007194.4 (MANE Select); coding-DNA position 1256, T replaced by G.
Protein change: p.Ile419Ser; replaces isoleucine 419 with serine.
Molecular consequence: missense variant.
Genome position (GRCh38, 1-based): chr22:28,695,713, A>C on the plus strand (T>G on the coding strand, the complement: CHEK2 is on the minus strand). VCF-style: chr22-28695713-A-C. GRCh37 (hg19) VCF-style: chr22-29091701-A-C.
Other names: c.1385T>G, p.Ile462Ser (NM_001005735.3); c.593T>G, p.Ile198Ser (NM_001257387.3); c.1055T>G, p.Ile352Ser (NM_001349956.3); c.1169T>G, p.Ile390Ser (NM_145862.3); c.1256T>G (NM_007194.3); short protein forms I198S, I352S, I390S, I419S, I462S.
Identifiers: ClinVar variation 1000202 (VCV001000202.12), dbSNP rs1601721712, ClinGen allele CA411096499.